The following is an entry in ClinVar:

ClinVar aggregate classification (germline): Benign. Review status: criteria provided, multiple submitters, no conflicts (2 of 4 stars). 2 submissions from 2 submitters: Benign (2). Last evaluated 2018-01-13.

Conditions:
Arterial tortuosity syndrome (ATORS). Identifiers: Orphanet 3342, MedGen C1859726, MONDO:0008818, OMIM 208050.

Allele frequency attached by ClinVar (database versions not stated): gnomAD 0.38738 and 0.38336; 1000 Genomes Project 30x 0.39225; 1000 Genomes Project 0.39836; gnomAD exomes 0.39910; TOPMed 0.38442.
gnomAD v4.1: 59,118 of 152,528 alleles (39%); highest among the groups gnomAD compares: East Asian, 59%; 12,098 homozygotes.

Submissions (2):

Illumina Laboratory Services, Illumina
Classification: Benign for Arterial tortuosity syndrome. Last evaluated: 2018-01-13. Review status: criteria provided, single submitter. Criteria: ICSL Variant Classification Criteria 13 December 2019. Collection method: clinical testing. Allele origin: germline.
Comment: This variant was observed in the ICSL laboratory as part of a predisposition screen in an ostensibly healthy population. It had not been previously curated by ICSL or reported in the Human Gene Mutation Database (HGMD: prior to June 1st, 2018), and was therefore a candidate for classification through an automated scoring system. Utilizing variant allele frequency, disease prevalence and penetrance estimates, and inheritance mode, an automated score was calculated to assess if this variant is too frequent to cause the disease. Based on the score and internal cut-off values, a variant classified as benign is not then subjected to further curation. The score for this variant resulted in a classification of benign for this disease.

Breakthrough Genomics
Classification: Benign. Review status: criteria provided, single submitter. Criteria: ACMG Guidelines, 2015. Collection method: not provided. Allele origin: germline. Inheritance: Autosomal recessive inheritance. Affected: yes.

NM_030777.4(SLC2A10):c.*1293T>C

Gene: SLC2A10 (solute carrier family 2 member 10; plus strand). Cytogenetic location: 20q13.12.
Variant type: single nucleotide variant.
Coding change: c.*1293T>C on transcript NM_030777.4 (MANE Select); 1293 bases downstream of the stop codon, T replaced by C.
Molecular consequence: 3 prime UTR variant.
Genome position (GRCh38, 1-based): chr20:46,735,127, T>C. VCF-style: chr20-46735127-T-C. GRCh37 (hg19) VCF-style: chr20-45363766-T-C.
Identifiers: ClinVar variation 338623 (VCV000338623.6), dbSNP rs707507, ClinGen allele CA10649810.